The following is an entry in ClinVar:

NM_000384.3(APOB):c.12316A>C (p.Arg4106=)

Gene: APOB (apolipoprotein B; minus strand). Cytogenetic location: 2p24.1.
Variant type: single nucleotide variant.
Coding change: c.12316A>C on transcript NM_000384.3 (MANE Select); coding-DNA position 12316, A replaced by C.
Protein change: p.Arg4106=; no amino-acid change (arginine 4106 retained).
Molecular consequence: synonymous variant.
Genome position (GRCh38, 1-based): chr2:21,003,106, T>G on the plus strand (A>C on the coding strand, the complement: APOB is on the minus strand). VCF-style: chr2-21003106-T-G. GRCh37 (hg19) VCF-style: chr2-21225978-T-G.
Identifiers: ClinVar variation 3571445 (VCV003571445.2).

ClinVar aggregate classification (germline): Conflicting classifications of pathogenicity. Review status: criteria provided, conflicting classifications (1 of 4 stars). 2 submissions from 2 submitters: Uncertain significance (1); Likely benign (1). Last evaluated 2025-04-02.

Conditions:
Familial hypercholesterolemia. Also called: Familial hypercholesterolaemia. Identifiers: MedGen C0020445, MONDO:0005439.

gnomAD v4.1: 1 of 1,598,996 alleles (0.000063%); highest among the groups gnomAD compares: Non-Finnish European, 0.000085%; no homozygotes.

Submissions (2):

Quest Diagnostics Nichols Institute San Juan Capistrano
Classification: Uncertain significance. Last evaluated: 2025-04-02. Review status: criteria provided, single submitter. Criteria: Quest Diagnostics criteria. Collection method: clinical testing. Allele origin: unknown.
Comment: The APOB c.12316A>C (p.Arg4106=) synonymous variant has not been reported in individuals with APOB-related conditions in the published literature. It also has not been reported in large, multi-ethnic general populations (Genome Aggregation Database). Analysis of this variant using software algorithms for the prediction of the effect of nucleotide changes on splicing yielded predictions that this variant does not affect APOB mRNA splicing. Based on the available information, we are unable to determine the clinical significance of this variant.

GENinCode PLC
Classification: Likely benign for Familial hypercholesterolemia. Last evaluated: 2025-01-09. Review status: criteria provided, single submitter. Criteria: ACMG Guidelines, 2015. Collection method: clinical testing. Allele origin: germline.
Comment: This is a synonymous (silent) variant that is not predicted to impact splicing and occurs at a nucleotide which is not highly conserved. This variant has been classified as Likely Benign (BP4, BP7).

Literature cited by the submitters: PubMed 33020668 (cited by Quest Diagnostics Nichols Institute San Juan Capistrano).